The following is an entry in ClinVar:

NM_013275.6(ANKRD11):c.5254C>G (p.Pro1752Ala)

Gene: ANKRD11 (ankyrin repeat domain 11; minus strand). Cytogenetic location: 16q24.3.
Variant type: single nucleotide variant.
Coding change: c.5254C>G on transcript NM_013275.6 (MANE Select); coding-DNA position 5254, C replaced by G.
Protein change: p.Pro1752Ala; replaces proline 1752 with alanine.
Molecular consequence: missense variant.
Genome position (GRCh38, 1-based): chr16:89,281,288, G>C on the plus strand (C>G on the coding strand, the complement: ANKRD11 is on the minus strand). VCF-style: chr16-89281288-G-C. GRCh37 (hg19) VCF-style: chr16-89347696-G-C.
Other names: c.5254C>G, p.Pro1752Ala (NM_001256182.2, NM_001256183.2); short protein forms P1752A.
Identifiers: ClinVar variation 3376437 (VCV003376437.2).

ClinVar aggregate classification (germline): Uncertain significance. Review status: criteria provided, multiple submitters, no conflicts (2 of 4 stars). 2 submissions from 2 submitters: Uncertain significance (2). Last evaluated 2024-08-12.

Conditions:
KBG syndrome (KBGS). Also called: ANKRD11-Related KBG Syndrome. Identifiers: Orphanet 2332, MedGen C0220687, MONDO:0007846, OMIM 148050.

Submissions (2):

Pittsburgh Clinical Genomics Laboratory, University of Pittsburgh Medical Center
Classification: Uncertain significance for KBG syndrome. Last evaluated: 2024-08-12. Review status: criteria provided, single submitter. Criteria: ACMG Guidelines, 2015. Collection method: clinical testing. Allele origin: germline. Inheritance: Autosomal dominant inheritance. Affected: yes.
Comment: This sequence variant is a single nucleotide substitution (C>G) at position 5254 of the coding sequence of the ANKRD11 gene that results in a proline to alanine amino acid change at residue 1752 of the ankyrin repeat domain containing protein 11. This variant is absent from ClinVar and has not been observed in individuals affected by a ANKRD11-related disorder in the published literature. This variant is absent from the gnomAD population database (0/~402,000 alleles). Multiple bioinformatic tools predict that this Pro to Ala amino acid change would be neutral, and the Pro1752 residue at this position is highly conserved across the primate species examined and less conserved across the vertebrate species examined. Studies examining the functional consequence of this variant have not been published, to our knowledge. At this time, there is insufficient evidence to determine if this variant is pathogenic or benign. Therefore, we consider this a variant of uncertain significance. ACMG Criteria: BP1, BP4, PM2

Blueprint Genetics
Classification: Uncertain significance. Last evaluated: 2020-05-27. Review status: criteria provided, single submitter. Criteria: ACMG Guidelines, 2015. Collection method: clinical testing. Allele origin: germline.